The following is an entry in ClinVar:

NM_001040142.2(SCN2A):c.2562+9A>T

Gene: SCN2A (sodium voltage-gated channel alpha subunit 2; plus strand). Cytogenetic location: 2q24.3.
Variant type: single nucleotide variant.
Coding change: c.2562+9A>T on transcript NM_001040142.2 (MANE Select); 9 bases into the intron after coding-DNA position 2562, A replaced by T.
Molecular consequence: intron variant.
Genome position (GRCh38, 1-based): chr2:165,342,478, A>T. VCF-style: chr2-165342478-A-T. GRCh37 (hg19) VCF-style: chr2-166198988-A-T.
Other names: c.2562+9A>T (NM_001040143.2, NM_001371246.1, NM_001371247.1 and 1 more transcripts).
Identifiers: ClinVar variation 5001861 (VCV005001861.1).
Genomic context (GRCh38, chr2:165,342,478, plus strand): 5'-ACTTGGTTTGGCAAATGTGGAAGGATTGTCAGTTCTCCGATCATTCCGGCTGGTAAATTA[A>T]CTGGGAGTGTTCATAAAATGTACTTTGTAATTAATTAGTCTTCATTCTCATCTAGTAAAA-3'

ClinVar aggregate classification (germline): Likely benign (1 of 4 stars; one submission).

Conditions:
SCN2A-related disorder. Also called: SCN2A-related condition; SCN2A-related disorders. Identifiers: MedGen CN382226, MONDO:1060245.

Submission:

PreventionGenetics, part of Exact Sciences
Classification: Likely benign for SCN2A-related condition. Last evaluated: 2025-03-25. Review status: criteria provided, single submitter. Criteria: ACMG Guidelines, 2015. Collection method: clinical testing. Allele origin: germline.
Comment: This variant is classified as likely benign based on ACMG/AMP sequence variant interpretation guidelines (Richards et al. 2015 PMID: 25741868, with internal and published modifications).